The following is an entry in ClinVar:

ClinVar aggregate classification (germline): Uncertain significance (1 of 4 stars; one submission).

Submission:

Labcorp Genetics (formerly Invitae), Labcorp
Classification: Uncertain significance. Last evaluated: 2025-09-22. Review status: criteria provided, single submitter. Criteria: Invitae Variant Classification Sherloc (09022015). Collection method: clinical testing. Allele origin: germline.
Comment: This sequence change replaces phenylalanine, which is neutral and non-polar, with leucine, which is neutral and non-polar, at codon 316 of the GABRA2 protein (p.Phe316Leu). This variant is not present in population databases (gnomAD no frequency). This variant has not been reported in the literature in individuals affected with GABRA2-related conditions. An algorithm developed to predict the effect of missense changes on protein structure and function (PolyPhen-2) suggests that this variant is likely to be disruptive. In summary, the available evidence is currently insufficient to determine the role of this variant in disease. Therefore, it has been classified as a Variant of Uncertain Significance.

NM_000807.4(GABRA2):c.946T>C (p.Phe316Leu)

Gene: GABRA2 (gamma-aminobutyric acid type A receptor subunit alpha2; minus strand). Cytogenetic location: 4p12.
Variant type: single nucleotide variant.
Coding change: c.946T>C on transcript NM_000807.4 (MANE Select); coding-DNA position 946, T replaced by C.
Protein change: p.Phe316Leu; replaces phenylalanine 316 with leucine.
Molecular consequence: missense variant.
Genome position (GRCh38, 1-based): chr4:46,262,039, A>G on the plus strand (T>C on the coding strand, the complement: GABRA2 is on the minus strand). VCF-style: chr4-46262039-A-G. GRCh37 (hg19) VCF-style: chr4-46264056-A-G.
Other names: c.946T>C, p.Phe316Leu (NM_001377151.1, NM_001377155.1, NM_001114175.3 and 8 more transcripts); c.781T>C, p.Phe261Leu (NM_001377152.1, NM_001377153.1, NM_001377154.1 and 1 more transcripts); short protein forms F261L, F316L.
Identifiers: ClinVar variation 4774084 (VCV004774084.1).
Genomic context (GRCh38, chr4:46,262,039, plus strand): 5'-AATTAACAGTTGCAAATTCAATTAGGGCAGAGAACACAAATGCATAACAAACAGCAATAA[A>G]CCAGTCCATGGCAGTTGCATAAGCCACTTTGGGGAGAGAATTCCGAGCACTGATGCTTAG-3'
Protein context (NP_000798.2, residues 306-326): KVAYATAMDW[Phe316Leu]IAVCYAFVFS